The following is an entry in ClinVar:

ClinVar aggregate classification (germline): Uncertain significance. Review status: criteria provided, multiple submitters, no conflicts (2 of 4 stars). 2 submissions from 2 submitters: Uncertain significance (2). Last evaluated 2024-01-11.

Conditions:
RASopathy. Also called: rasopathies; Noonan spectrum disorder. Identifiers: Orphanet 536391, MedGen C5555857, MONDO:0021060.
Cardiovascular phenotype. Identifiers: MedGen CN230736.

Allele frequency attached by ClinVar (database versions not stated): TOPMed below 0.00001; gnomAD 0.00001; gnomAD exomes 0.00002.
gnomAD v4.1: 25 of 1,613,152 alleles (0.0015%); highest among the groups gnomAD compares: Non-Finnish European, 0.002%; no homozygotes.

Submissions (2):

Ambry Genetics
Classification: Uncertain significance for Cardiovascular phenotype. Last evaluated: 2024-01-11. Review status: criteria provided, single submitter. Criteria: Ambry Variant Classification Scheme 2023. Collection method: clinical testing. Allele origin: germline.
Comment: The p.C722G variant (also known as c.2164T>G), located in coding exon 14 of the CBL gene, results from a T to G substitution at nucleotide position 2164. The cysteine at codon 722 is replaced by glycine, an amino acid with highly dissimilar properties. This amino acid position is conserved. In addition, this alteration is predicted to be tolerated by in silico analysis. Since supporting evidence is limited at this time, the clinical significance of this alteration remains unclear.

Labcorp Genetics (formerly Invitae), Labcorp
Classification: Uncertain significance for RASopathy. Last evaluated: 2023-10-14. Review status: criteria provided, single submitter. Criteria: Invitae Variant Classification Sherloc (09022015). Collection method: clinical testing. Allele origin: germline.
Comment: This sequence change replaces cysteine, which is neutral and slightly polar, with glycine, which is neutral and non-polar, at codon 722 of the CBL protein (p.Cys722Gly). This variant is not present in population databases (gnomAD no frequency). This variant has not been reported in the literature in individuals affected with CBL-related conditions. Advanced modeling of protein sequence and biophysical properties (such as structural, functional, and spatial information, amino acid conservation, physicochemical variation, residue mobility, and thermodynamic stability) performed at Invitae indicates that this missense variant is not expected to disrupt CBL protein function. In summary, the available evidence is currently insufficient to determine the role of this variant in disease. Therefore, it has been classified as a Variant of Uncertain Significance.

NM_005188.4(CBL):c.2164T>G (p.Cys722Gly)

Gene: CBL (Cbl proto-oncogene; plus strand). Cytogenetic location: 11q23.3.
Variant type: single nucleotide variant.
Coding change: c.2164T>G on transcript NM_005188.4 (MANE Select); coding-DNA position 2164, T replaced by G.
Protein change: p.Cys722Gly; replaces cysteine 722 with glycine.
Molecular consequence: missense variant.
Genome position (GRCh38, 1-based): chr11:119,297,394, T>G. VCF-style: chr11-119297394-T-G. GRCh37 (hg19) VCF-style: chr11-119168104-T-G.
Other names: c.2164T>G (NM_005188.2); short protein forms C722G.
Identifiers: ClinVar variation 2859406 (VCV002859406.4), dbSNP rs1330337934, ClinGen allele CA382927845.